The following is an entry in ClinVar:

ClinVar aggregate classification (germline): Uncertain significance. Review status: criteria provided, multiple submitters, no conflicts (2 of 4 stars). 3 submissions from 3 submitters: Uncertain significance (3). Last evaluated 2024-11-25.

Conditions:
Cerebellar dysfunction with variable cognitive and behavioral abnormalities (CECBA). Also called: Nonprogressive cerebellar atxia with intellectual disability. Identifiers: Orphanet 314647, MedGen C3553661, MONDO:0013886, OMIM 614756.
Inborn genetic diseases. Identifiers: MedGen C0950123, MeSH D030342.

gnomAD v4.1: 64 of 1,613,670 alleles (0.004%); highest among the groups gnomAD compares: Non-Finnish European, 0.0053%; no homozygotes.

Submissions (3):

Ambry Genetics
Classification: Uncertain significance for Inborn genetic diseases. Last evaluated: 2024-11-25. Review status: criteria provided, single submitter. Criteria: Ambry Variant Classification Scheme 2023. Collection method: clinical testing. Allele origin: germline.

Labcorp Genetics (formerly Invitae), Labcorp
Classification: Uncertain significance. Last evaluated: 2024-03-23. Review status: criteria provided, single submitter. Criteria: Invitae Variant Classification Sherloc (09022015). Collection method: clinical testing. Allele origin: germline.
Comment: This sequence change replaces arginine, which is basic and polar, with proline, which is neutral and non-polar, at codon 474 of the CAMTA1 protein (p.Arg474Pro). This variant is present in population databases (rs145242440, gnomAD 0.004%). This variant has not been reported in the literature in individuals affected with CAMTA1-related conditions. An algorithm developed to predict the effect of missense changes on protein structure and function (PolyPhen-2) suggests that this variant is likely to be disruptive. In summary, the available evidence is currently insufficient to determine the role of this variant in disease. Therefore, it has been classified as a Variant of Uncertain Significance.

Fulgent Genetics
Classification: Uncertain significance for Cerebellar dysfunction with variable cognitive and behavioral abnormalities. Last evaluated: 2024-03-20. Review status: criteria provided, single submitter. Criteria: ACMG Guidelines, 2015. Collection method: clinical testing. Allele origin: germline.

NM_015215.4(CAMTA1):c.1421G>C (p.Arg474Pro)

Gene: CAMTA1 (calmodulin binding transcription activator 1; plus strand). Cytogenetic location: 1p36.23.
Variant type: single nucleotide variant.
Coding change: c.1421G>C on transcript NM_015215.4 (MANE Select); coding-DNA position 1421, G replaced by C.
Protein change: p.Arg474Pro; replaces arginine 474 with proline.
Molecular consequence: missense variant.
Genome position (GRCh38, 1-based): chr1:7,663,968, G>C. VCF-style: chr1-7663968-G-C. GRCh37 (hg19) VCF-style: chr1-7724028-G-C.
Other names: c.1331G>C, p.Arg444Pro (NM_001349608.2, NM_001349612.2); c.1421G>C, p.Arg474Pro (NM_001349609.2, NM_001349610.2, NM_001410737.1); c.1349G>C, p.Arg450Pro (NM_001410738.1); short protein forms R444P, R474P, R450P.
Identifiers: ClinVar variation 3484599 (VCV003484599.4).